The following is an entry in ClinVar:

NM_004260.4(RECQL4):c.3512G>A (p.Cys1171Tyr)

Gene: RECQL4 (RecQ like helicase 4; minus strand). Cytogenetic location: 8q24.3.
Variant type: single nucleotide variant.
Coding change: c.3512G>A on transcript NM_004260.4 (MANE Select); coding-DNA position 3512, G replaced by A.
Protein change: p.Cys1171Tyr; replaces cysteine 1171 with tyrosine.
Molecular consequence: missense variant.
Genome position (GRCh38, 1-based): chr8:144,511,546, C>T on the plus strand (G>A on the coding strand, the complement: RECQL4 is on the minus strand). VCF-style: chr8-144511546-C-T. GRCh37 (hg19) VCF-style: chr8-145736929-C-T.
Other names: short protein forms C1171Y.
Identifiers: ClinVar variation 459487 (VCV000459487.9), dbSNP rs748529710, ClinGen allele CA4947668.

ClinVar aggregate classification (germline): Uncertain significance. Review status: criteria provided, multiple submitters, no conflicts (2 of 4 stars). 3 submissions from 3 submitters: Uncertain significance (3). Last evaluated 2025-04-07.

Conditions:
Hereditary cancer-predisposing syndrome. Also called: Hereditary neoplastic syndrome; Neoplastic Syndromes, Hereditary; Tumor predisposition; Hereditary Cancer Syndrome. Identifiers: Orphanet 140162, MedGen C0027672, MeSH D009386, MONDO:0015356.
Baller-Gerold syndrome (BGS). Also called: CRANIOSYNOSTOSIS WITH RADIAL DEFECTS. Identifiers: Orphanet 1225, MedGen C0265308, MONDO:0009039, OMIM 218600.

Allele frequency attached by ClinVar (database versions not stated): gnomAD exomes below 0.00001 and 0.00002; ExAC 0.00003; gnomAD 0.00007; TOPMed 0.00008.
gnomAD v4.1: 14 of 1,612,130 alleles (0.00087%); highest among the groups gnomAD compares: African/African-American, 0.011%; no homozygotes.

Submissions (3):

Labcorp Genetics (formerly Invitae), Labcorp
Classification: Uncertain significance for Baller-Gerold syndrome. Last evaluated: 2025-04-07. Review status: criteria provided, single submitter. Criteria: Invitae Variant Classification Sherloc (09022015). Collection method: clinical testing. Allele origin: germline.
Comment: This sequence change replaces cystine with tyrosine at codon 1171 of the RECQL4 protein (p.Cys1171Tyr). The cystine residue is highly conserved and there is a large physicochemical difference between cystine and tyrosine. This variant is present in population databases (rs748529710, gnomAD 0.03%). This variant has not been reported in the literature in individuals affected with RECQL4-related conditions. ClinVar contains an entry for this variant (Variation ID: 459487). Invitae Evidence Modeling of protein sequence and biophysical properties (such as structural, functional, and spatial information, amino acid conservation, physicochemical variation, residue mobility, and thermodynamic stability) indicates that this missense variant is expected to disrupt RECQL4 protein function with a positive predictive value of 80%. In summary, the available evidence is currently insufficient to determine the role of this variant in disease. Therefore, it has been classified as a Variant of Uncertain Significance.

GeneDx
Classification: Uncertain significance. Last evaluated: 2024-02-14. Review status: criteria provided, single submitter. Criteria: GeneDx Variant Classification Process June 2021. Collection method: clinical testing. Allele origin: germline. Affected: yes.
Comment: In silico analysis supports that this missense variant has a deleterious effect on protein structure/function; Has not been previously published as pathogenic or benign to our knowledge

Sema4
Classification: Uncertain significance for Hereditary cancer-predisposing syndrome. Last evaluated: 2021-09-30. Review status: criteria provided, single submitter. Criteria: Sema4 Curation Guidelines. Collection method: curation. Allele origin: germline.
Comment: The RECQL4 c.3512G>A (p.C1171Y) variant has not been reported in the literature to our knowledge. It was observed in 4/15208 chromosomes of the African/African American subpopulation in the large and broad cohorts of the Genome Aggregation Database (PMID: 32461654). The variant has been reported in ClinVar (Variation ID: 459487). Functional studies have not been performed, and in silico predictions of the variant's effect on protein function are inconclusive. The evidence is insufficient to meet ACMG/AMP criteria for classifying the variant as benign or pathogenic. Thus, the clinical significance of this variant is currently uncertain.